The following is an entry in ClinVar:

NM_001267550.2(TTN):c.34251C>G (p.Val11417=)

Gene: TTN (titin; minus strand). Cytogenetic location: 2q31.2.
Variant type: single nucleotide variant.
Coding change: c.34251C>G on transcript NM_001267550.2 (MANE Select); coding-DNA position 34251, C replaced by G.
Protein change: p.Val11417=; no amino-acid change (valine 11417 retained).
Molecular consequence: synonymous variant. On other transcripts: intron variant (3).
Genome position (GRCh38, 1-based): chr2:178,677,661, G>C on the plus strand (C>G on the coding strand, the complement: TTN is on the minus strand). VCF-style: chr2-178677661-G-C. GRCh37 (hg19) VCF-style: chr2-179542388-G-C.
Other names: c.33300C>G, p.Val11100= (NM_001256850.1); c.30519C>G, p.Val10173= (NM_133378.4); c.13283-35344C>G (NM_003319.4); c.13859-35344C>G (NM_133437.4); c.13658-35344C>G (NM_133432.3).
Identifiers: ClinVar variation 467037 (VCV000467037.14), dbSNP rs368972294, ClinGen allele CA430278899.
Genomic context (GRCh38, chr2:178,677,661, plus strand): 5'-TCCAAGAAGAGCTGCTATACCTGGTGCAGGTACTGGCACCTTAGGTTTAACTTCTGGAAG[G>C]ACTTCTTCTTCAGGTACAAATTCTTCTTCCTCAGGTACATATTCTTCTTCGGGAGGAACT-3'
Protein context (NP_001254479.2, residues 11407-11427): EEEEFVPEEE[Val11417=]LPEVKPKVPV

ClinVar aggregate classification (germline): Likely benign. Review status: criteria provided, multiple submitters, no conflicts (2 of 4 stars). 2 submissions from 2 submitters: Likely benign (2). Last evaluated 2025-10-21.

Conditions:
Autosomal recessive limb-girdle muscular dystrophy type 2J (LGMDR10). Also called: Limb-girdle muscular dystrophy, type 2J; MUSCULAR DYSTROPHY, LIMB-GIRDLE, AUTOSOMAL RECESSIVE 10. Identifiers: Orphanet 140922, MedGen C1837342, MONDO:0012127, OMIM 608807.
Dilated cardiomyopathy 1G (CMD1G). Identifiers: Orphanet 154, MedGen C1858763, MONDO:0011400, OMIM 604145.

Allele frequency attached by ClinVar (database versions not stated): gnomAD exomes below 0.00001; TOPMed 0.00003.
gnomAD v4.1: 1 of 1,611,860 alleles (0.000062%); highest among the groups gnomAD compares: Admixed American, 0.0017%; no homozygotes.

Submissions (2):

Labcorp Genetics (formerly Invitae), Labcorp
Classification: Likely benign for Dilated cardiomyopathy 1G; Autosomal recessive limb-girdle muscular dystrophy type 2J. Last evaluated: 2025-10-21. Review status: criteria provided, single submitter. Criteria: Invitae Variant Classification Sherloc (09022015). Collection method: clinical testing. Allele origin: germline.

GeneDx
Classification: Likely benign. Last evaluated: 2018-02-14. Review status: criteria provided, single submitter. Criteria: GeneDx Variant Classification (06012015). Collection method: clinical testing. Allele origin: germline. Affected: yes.
Comment: This variant is considered likely benign or benign based on one or more of the following criteria: it is a conservative change, it occurs at a poorly conserved position in the protein, it is predicted to be benign by multiple in silico algorithms, and/or has population frequency not consistent with disease.